The following is an entry in ClinVar:

NM_020975.6(RET):c.3048G>C (p.Leu1016Phe)

Gene: RET (ret proto-oncogene; plus strand). Cytogenetic location: 10q11.21.
Variant type: single nucleotide variant.
Coding change: c.3048G>C on transcript NM_020975.6 (MANE Select); coding-DNA position 3048, G replaced by C.
Protein change: p.Leu1016Phe; replaces leucine 1016 with phenylalanine.
Molecular consequence: missense variant.
Genome position (GRCh38, 1-based): chr10:43,126,583, G>C. VCF-style: chr10-43126583-G-C. GRCh37 (hg19) VCF-style: chr10-43622031-G-C.
Other names: c.3048G>C, p.Leu1016Phe (NM_000323.2, NM_001406743.1, NM_001406744.1 and 4 more transcripts); c.2286G>C, p.Leu762Phe (NM_001355216.2); c.2919G>C, p.Leu973Phe (NM_001406761.1, NM_001406762.1, NM_001406764.1); c.2913G>C, p.Leu971Phe (NM_001406763.1, NM_001406765.1); c.2760G>C, p.Leu920Phe (NM_001406766.1, NM_001406767.1, NM_001406770.1); c.2784G>C, p.Leu928Phe (NM_001406768.1); c.2652G>C, p.Leu884Phe (NM_001406769.1, NM_001406772.1); c.2610G>C, p.Leu870Phe (NM_001406771.1, NM_001406773.1); and 10 more; short protein forms L686F, L717F, L762F, L774F, L920F, L581F, L672F, L677F.
Identifiers: ClinVar variation 2108098 (VCV002108098.4), dbSNP rs2133032684, ClinGen allele CA376558285.
Genomic context (GRCh38, chr10:43,126,583, plus strand): 5'-GTATCTAGTTGTGGCACATGGCTTGGAGTGACCGGCCATCTCTGTCTTCCAGGACTACTT[G>C]GACCTTGCGGCGTCCACTCCATCTGACTCCCTGATTTATGACGACGGCCTCTCAGAGGAG-3'
Protein context (NP_066124.1, residues 1006-1026): EKMMVKRRDY[Leu1016Phe]DLAASTPSDS

ClinVar aggregate classification (germline): Uncertain significance (1 of 4 stars; one submission).

Conditions:
Multiple endocrine neoplasia, type 2 (MEN2). Identifiers: Orphanet 653, MedGen C4048306, MONDO:0019003. Disease mechanism: gain of function.

Submission:

Labcorp Genetics (formerly Invitae), Labcorp
Classification: Uncertain significance for Multiple endocrine neoplasia, type 2. Last evaluated: 2022-03-16. Review status: criteria provided, single submitter. Criteria: Invitae Variant Classification Sherloc (09022015). Collection method: clinical testing. Allele origin: germline.
Comment: This sequence change replaces leucine, which is neutral and non-polar, with phenylalanine, which is neutral and non-polar, at codon 1016 of the RET protein (p.Leu1016Phe). This variant is not present in population databases (gnomAD no frequency). This variant has not been reported in the literature in individuals affected with RET-related conditions. Algorithms developed to predict the effect of missense changes on protein structure and function are either unavailable or do not agree on the potential impact of this missense change (SIFT: "Deleterious"; PolyPhen-2: "Possibly Damaging"; Align-GVGD: "Class C0"). In summary, the available evidence is currently insufficient to determine the role of this variant in disease. Therefore, it has been classified as a Variant of Uncertain Significance.